The following is an entry in ClinVar:

NM_002470.4(MYH3):c.2788GAG[2] (p.Glu932del)

Gene: MYH3 (myosin heavy chain 3; minus strand). Cytogenetic location: 17p13.1.
Variant type: Microsatellite.
Coding change: c.2788GAG[2] on transcript NM_002470.4 (MANE Select); two copies in a row of the 3-base unit GAG starting at c.2788; the reference has three copies in a row; one copy, 3 bases deleted.
Protein change: p.Glu932del; deletes glutamic acid 932.
Molecular consequence: inframe deletion.
Genome position (GRCh38, 1-based): chr17:10,639,689-10,639,691, CTC deleted on the plus strand (GAG on the coding strand, the reverse complement: MYH3 is on the minus strand); deleting any 3 consecutive bases within chr17:10,639,689-10,639,697 gives the same sequence; the position shown is the placement nearest the transcript's 3' end. VCF-style (leftmost placement, unchanged base first): chr17-10639688-TCTC-T. GRCh37 (hg19) VCF-style: chr17-10543005-TCTC-T.
Other names: short protein forms E932del.
Identifiers: ClinVar variation 2985608 (VCV002985608.3), dbSNP rs2508599078, ClinGen allele CA2740095277.

ClinVar aggregate classification (germline): Uncertain significance (1 of 4 stars; one submission).

Submission:

Labcorp Genetics (formerly Invitae), Labcorp
Classification: Uncertain significance. Last evaluated: 2023-08-17. Review status: criteria provided, single submitter. Criteria: Invitae Variant Classification Sherloc (09022015). Collection method: clinical testing. Allele origin: germline.
Comment: This variant, c.2794_2796del, results in the deletion of 1 amino acid(s) of the MYH3 protein (p.Glu932del), but otherwise preserves the integrity of the reading frame. This variant is not present in population databases (gnomAD no frequency). This variant has not been reported in the literature in individuals affected with MYH3-related conditions. Experimental studies and prediction algorithms are not available or were not evaluated, and the functional significance of this variant is currently unknown. In summary, the available evidence is currently insufficient to determine the role of this variant in disease. Therefore, it has been classified as a Variant of Uncertain Significance.